The following is an entry in ClinVar:

ClinVar aggregate classification (germline): Likely benign. Review status: criteria provided, multiple submitters, no conflicts (2 of 4 stars). 2 submissions from 2 submitters: Likely benign (2). Last evaluated 2025-11-03.

Conditions:
Developmental and epileptic encephalopathy, 1 (DEE1). Also called: X-linked infantile spasms; West's syndrome; Tonic spasms with clustering, arrest of psychomotor development and hypsarrhythmia on EEG; X-Linked Infantile Spasm Syndrome; OHTAHARA SYNDROME, X-LINKED; INFANTILE SPASM SYNDROME, X-LINKED 1. Identifiers: MedGen C3463992, MONDO:0010632, OMIM 308350. Disease mechanism: loss of function.
Autosomal dominant nonsyndromic hearing loss 65. Also called: TBC1D24-Related Autosomal Dominant Nonsyndromic Hearing Loss (DFNA); Deafness, autosomal dominant 65. Identifiers: Orphanet 90635, MedGen C3892048, MONDO:0014470, OMIM 616044.

Allele frequency attached by ClinVar (database versions not stated): TOPMed 0.00003; ExAC 0.00004; gnomAD exomes 0.00003.
gnomAD v4.1: 10 of 1,600,028 alleles (0.00062%); highest among the groups gnomAD compares: Admixed American, 0.013%; no homozygotes.

Submissions (2):

Labcorp Genetics (formerly Invitae), Labcorp
Classification: Likely benign for Developmental and epileptic encephalopathy, 1; Autosomal dominant nonsyndromic hearing loss 65. Last evaluated: 2025-11-03. Review status: criteria provided, single submitter. Criteria: Invitae Variant Classification Sherloc (09022015). Collection method: clinical testing. Allele origin: germline.

GeneDx
Classification: Likely benign. Last evaluated: 2015-11-17. Review status: criteria provided, single submitter. Criteria: GeneDx Variant Classification (06012015). Collection method: clinical testing. Allele origin: germline. Affected: yes.
Comment: This variant is considered likely benign or benign based on one or more of the following criteria: it is a conservative change, it occurs at a poorly conserved position in the protein, it is predicted to be benign by multiple in silico algorithms, and/or has population frequency not consistent with disease.

NM_001199107.2(TBC1D24):c.1526-13G>A

Gene: TBC1D24 (TBC1 domain family member 24; plus strand). Cytogenetic location: 16p13.3.
Variant type: single nucleotide variant.
Coding change: c.1526-13G>A on transcript NM_001199107.2 (MANE Select); 13 bases into the intron before coding-DNA position 1526, G replaced by A.
Molecular consequence: intron variant.
Genome position (GRCh38, 1-based): chr16:2,500,791, G>A. VCF-style: chr16-2500791-G-A. GRCh37 (hg19) VCF-style: chr16-2550792-G-A.
Other names: c.1508-13G>A (NM_020705.3).
Identifiers: ClinVar variation 378707 (VCV000378707.6), dbSNP rs766052989, ClinGen allele CA7844329.
Genomic context (GRCh38, chr16:2,500,791, plus strand): 5'-GGGACAGCAGGTGAGGTGCCTGGGTCAGTGCTGATAGGGCAGTCAGGCCGCCACTGACCT[G>A]AGCATCCTGCAGGGGGAGGAGGCGGCCAGGCGCTCTACATCGATGGGGACCTGAACCGGG-3'